The following is an entry in ClinVar:

NM_001042702.5(PJVK):c.772del (p.Arg258fs)

Gene: PJVK (pejvakin; plus strand). Cytogenetic location: 2q31.2.
Variant type: Deletion.
Coding change: c.772del on transcript NM_001042702.5 (MANE Select); coding-DNA position 772, one base deleted (A; older notation c.772delA).
Protein change: p.Arg258fs; shifts the reading frame from arginine 258.
Molecular consequence: frameshift variant.
Genome position (GRCh38, 1-based): chr2:178,460,987, A deleted; the last of 2 consecutive A bases (chr2:178,460,986-178,460,987); deleting either gives the same sequence. VCF-style (leftmost placement, unchanged base first): chr2-178460985-GA-G. GRCh37 (hg19) VCF-style: chr2-179325712-GA-G.
Other names: c.781del, p.Arg261fs (NM_001353775.2); c.778del, p.Arg260fs (NM_001353776.2); c.295del, p.Arg99fs (NM_001353777.1, NM_001353778.2); c.772del, p.Arg258fs (NM_001369912.1); short protein forms R258fs, R260fs, R261fs, R99fs.
Identifiers: ClinVar variation 3601639 (VCV003601639.1).

ClinVar aggregate classification (germline): Likely pathogenic (1 of 4 stars; one submission).

Conditions:
Autosomal recessive nonsyndromic hearing loss 59. Identifiers: Orphanet 90636, MedGen C1857744, MONDO:0012445, OMIM 610220.

Submission:

Institute of Rare Diseases, West China Hospital, Sichuan University
Classification: Likely pathogenic for Autosomal recessive nonsyndromic hearing loss 59. Last evaluated: 2025-01-09. Review status: criteria provided, single submitter. Criteria: ClinGen HL ACMG Specifications v1. Collection method: research. Allele origin: germline. Affected: yes.
Comment: PVS1;PM2_Supporting